The following is an entry in ClinVar:

NM_024675.4(PALB2):c.1088A>T (p.Asp363Val)

Gene: PALB2 (partner and localizer of BRCA2; minus strand). Cytogenetic location: 16p12.2.
Variant type: single nucleotide variant.
Coding change: c.1088A>T on transcript NM_024675.4 (MANE Select); coding-DNA position 1088, A replaced by T.
Protein change: p.Asp363Val; replaces aspartic acid 363 with valine.
Molecular consequence: missense variant. On other transcripts: intron variant (3).
Genome position (GRCh38, 1-based): chr16:23,635,458, T>A on the plus strand (A>T on the coding strand, the complement: PALB2 is on the minus strand). VCF-style: chr16-23635458-T-A. GRCh37 (hg19) VCF-style: chr16-23646779-T-A.
Other names: c.1028A>T, p.Asp343Val (NM_001407296.1); c.1088A>T, p.Asp363Val (NM_001407297.1, NM_001407298.1, NM_001407299.1 and 3 more transcripts); c.203A>T, p.Asp68Val (NM_001407304.1, NM_001407305.1, NM_001407306.1 and 5 more transcripts); c.48+5652A>T (NM_001407314.1); c.-104-4989A>T (NM_001407313.1, NM_001407312.1); short protein forms D68V, D343V, D363V.
Identifiers: ClinVar variation 3413481 (VCV003413481.1).
Genomic context (GRCh38, chr16:23,635,458, plus strand): 5'-AGGCTAAGACTCTTAGGTTGACTTAGAATCTCACTTTCCTGAAGATTTTCATTCCTGCCA[T>A]CAAGAGTGTCACTGGGAGATTTTAAAGATTTCTCTGTTTGATTTTGTTCTTTTAAGTTTT-3'
Protein context (NP_078951.2, residues 353-373): KSLKSPSDTL[Asp363Val]GRNENLQESE

ClinVar aggregate classification (germline): Uncertain significance (1 of 4 stars; one submission).

Conditions:
Hereditary cancer-predisposing syndrome. Also called: Neoplastic Syndromes, Hereditary; Tumor predisposition; Hereditary Cancer Syndrome; Hereditary neoplastic syndrome. Identifiers: Orphanet 140162, MedGen C0027672, MeSH D009386, MONDO:0015356.

Submission:

Ambry Genetics
Classification: Uncertain significance for Hereditary cancer-predisposing syndrome. Last evaluated: 2024-10-17. Review status: criteria provided, single submitter. Criteria: Ambry Variant Classification Scheme 2023. Collection method: clinical testing. Allele origin: germline.
Comment: The p.D363V variant (also known as c.1088A>T), located in coding exon 4 of the PALB2 gene, results from an A to T substitution at nucleotide position 1088. The aspartic acid at codon 363 is replaced by valine, an amino acid with highly dissimilar properties. This amino acid position is conserved. In addition, this alteration is predicted to be tolerated by in silico analysis. Based on the available evidence, the clinical significance of this variant remains unclear.